The following is an entry in ClinVar:

ClinVar aggregate classification (germline): Uncertain significance (1 of 4 stars; one submission).

Allele frequency attached by ClinVar (database versions not stated): gnomAD 0.00001.
gnomAD v4.1: 1 of 1,614,062 alleles (0.000062%); highest among the groups gnomAD compares: African/African-American, 0.0013%; no homozygotes.

Submission:

Labcorp Genetics (formerly Invitae), Labcorp
Classification: Uncertain significance. Last evaluated: 2023-07-21. Review status: criteria provided, single submitter. Criteria: Invitae Variant Classification Sherloc (09022015). Collection method: clinical testing. Allele origin: germline.
Comment: This sequence change replaces methionine, which is neutral and non-polar, with lysine, which is basic and polar, at codon 51 of the MCM4 protein (p.Met51Lys). This variant is present in population databases (no rsID available, gnomAD 0.01%). This variant has not been reported in the literature in individuals affected with MCM4-related conditions. An algorithm developed to predict the effect of missense changes on protein structure and function (PolyPhen-2) suggests that this variant is likely to be tolerated. In summary, the available evidence is currently insufficient to determine the role of this variant in disease. Therefore, it has been classified as a Variant of Uncertain Significance.

NM_182746.3(MCM4):c.152T>A (p.Met51Lys)

Gene: MCM4 (minichromosome maintenance complex component 4; plus strand). Cytogenetic location: 8q11.21.
Variant type: single nucleotide variant.
Coding change: c.152T>A on transcript NM_182746.3 (MANE Select); coding-DNA position 152, T replaced by A.
Protein change: p.Met51Lys; replaces methionine 51 with lysine.
Molecular consequence: missense variant.
Genome position (GRCh38, 1-based): chr8:47,961,597, T>A. VCF-style: chr8-47961597-T-A. GRCh37 (hg19) VCF-style: chr8-48874157-T-A.
Other names: c.152T>A, p.Met51Lys (NM_005914.4); short protein forms M51K.
Identifiers: ClinVar variation 3010715 (VCV003010715.3), dbSNP rs1486560672, ClinGen allele CA371144868.
Genomic context (GRCh38, chr8:47,961,597, plus strand): 5'-CATCTCCCTCTCAGAGACGTAGAGGCGAGGATTCCACCTCCACGGGGGAGTTGCAGCCGA[T>A]GCCAACCTCGCCTGGAGTGGACCTGCAGAGCCCTGCTGCGCAGGACGTGCTGTTTTCCAG-3'
Protein context (NP_877423.1, residues 41-61): DSTSTGELQP[Met51Lys]PTSPGVDLQS